The following is an entry in ClinVar:

ClinVar aggregate classification (germline): Uncertain significance (1 of 4 stars; one submission).

Conditions:
Cardiovascular phenotype. Identifiers: MedGen CN230736.

gnomAD v4.1: 1 of 1,614,232 alleles (0.000062%); highest among the groups gnomAD compares: Non-Finnish European, 0.000085%; no homozygotes.

Submission:

Ambry Genetics
Classification: Uncertain significance for Cardiovascular phenotype. Last evaluated: 2020-11-06. Review status: criteria provided, single submitter. Criteria: Ambry Variant Classification Scheme 2023. Collection method: clinical testing. Allele origin: germline.
Comment: The p.C1140G variant (also known as c.3418T>G), located in coding exon 30 of the ANK2 gene, results from a T to G substitution at nucleotide position 3418. The cysteine at codon 1140 is replaced by glycine, an amino acid with highly dissimilar properties. This amino acid position is highly conserved in available vertebrate species. In addition, this alteration is predicted to be deleterious by in silico analysis. Since supporting evidence is limited at this time, the clinical significance of this alteration remains unclear.

NM_001148.6(ANK2):c.3418T>G (p.Cys1140Gly)

Gene: ANK2 (ankyrin 2; plus strand). Cytogenetic location: 4q26.
Variant type: single nucleotide variant.
Coding change: c.3418T>G on transcript NM_001148.6 (MANE Select); coding-DNA position 3418, T replaced by G.
Protein change: p.Cys1140Gly; replaces cysteine 1140 with glycine.
Molecular consequence: missense variant.
Genome position (GRCh38, 1-based): chr4:113,335,884, T>G. VCF-style: chr4-113335884-T-G. GRCh37 (hg19) VCF-style: chr4-114257040-T-G.
Other names: c.3391T>G, p.Cys1131Gly (NM_001127493.3); c.3430T>G, p.Cys1144Gly (NM_001354225.2); c.3319T>G, p.Cys1107Gly (NM_001354228.2, NM_001354258.2); c.3397T>G, p.Cys1133Gly (NM_001354230.2); c.3460T>G, p.Cys1154Gly (NM_001354231.2, NM_001354242.2); c.3454T>G, p.Cys1152Gly (NM_001354232.2); c.3415T>G, p.Cys1139Gly (NM_001354235.2, NM_001354246.2, NM_001354265.2); c.3316T>G, p.Cys1106Gly (NM_001354236.2); and 30 more; short protein forms C1040G, C1065G, C1074G, C1086G, C1093G, C1130G, C1131G, C1144G.
Identifiers: ClinVar variation 1731232 (VCV001731232.2), dbSNP rs2153957839, ClinGen allele CA357937366.
Genomic context (GRCh38, chr4:113,335,884, plus strand): 5'-GGTGGGTCATTTCTTGTCTTAGTACTGGATAGCCCAGAAGACCTAGAAAAGAAACGAATC[T>G]GCCGCATCATCACCCGAGACTTCCCACAGTACTTTGCAGTGGTGTCTCGTATCAAACAGG-3'
Protein context (NP_001139.3, residues 1130-1150): SPEDLEKKRI[Cys1140Gly]RIITRDFPQY